The following is an entry in ClinVar:

ClinVar aggregate classification (germline): Likely benign (0 of 4 stars; one submission).

Conditions:
PHIP-related disorder. Also called: PHIP-related condition; PHIP-related disorders.

gnomAD v4.1: 46 of 1,606,756 alleles (0.0029%); highest among the groups gnomAD compares: Non-Finnish European, 0.0038%; no homozygotes.

Submission:

PreventionGenetics, part of Exact Sciences
Classification: Likely benign for PHIP-related condition. Last evaluated: 2023-03-31. Review status: no assertion criteria provided. Collection method: clinical testing. Allele origin: germline.
Comment: This variant is classified as likely benign based on ACMG/AMP sequence variant interpretation guidelines (Richards et al. 2015 PMID: 25741868, with internal and published modifications).

NM_017934.7(PHIP):c.4617A>T (p.Ile1539=)

Genes: IRAK1BP1 (interleukin 1 receptor associated kinase 1 binding protein 1; plus strand), PHIP (PHIP subunit of CUL4-Ring ligase complex; minus strand). Cytogenetic location: 6q14.1.
Variant type: single nucleotide variant.
Coding change: c.4617A>T on transcript NM_017934.7 (MANE Select); coding-DNA position 4617, A replaced by T.
Protein change: p.Ile1539=; no amino-acid change (isoleucine 1539 retained).
Molecular consequence: synonymous variant.
Genome position (GRCh38, 1-based): chr6:78,946,014, T>A on the plus strand (A>T on the coding strand, the complement: PHIP is on the minus strand). VCF-style: chr6-78946014-T-A. GRCh37 (hg19) VCF-style: chr6-79655731-T-A.
Identifiers: ClinVar variation 3355936 (VCV003355936.1).
Genomic context (GRCh38, chr6:78,946,014, plus strand): 5'-ATTAAGAAAATCATCATATACATTTCAATTTAGAAAGTGAGTCTTACTTGTTTTCCCTGG[T>A]ATTGCAGATGCATTAGCTTTTGTAATAAAAGTCTTTGCAGCTGAAGAAGTAGATGGTTGC-3'
Protein context (NP_060404.4, residues 1529-1549): TFITKANASA[Ile1539=]PGKTILENSV